The following is an entry in ClinVar:

NM_001165963.4(SCN1A):c.3752T>G (p.Met1251Arg)

Genes: SCN1A (sodium voltage-gated channel alpha subunit 1; minus strand), LOC102724058 (uncharacterized LOC102724058; plus strand). Cytogenetic location: 2q24.3.
Variant type: single nucleotide variant.
Coding change: c.3752T>G on transcript NM_001165963.4 (MANE Select); coding-DNA position 3752, T replaced by G.
Protein change: p.Met1251Arg; replaces methionine 1251 with arginine.
Molecular consequence: missense variant. On other transcripts: non-coding transcript variant (1).
Genome position (GRCh38, 1-based): chr2:166,012,236, A>C on the plus strand (T>G on the coding strand, the complement: SCN1A is on the minus strand). VCF-style: chr2-166012236-A-C. GRCh37 (hg19) VCF-style: chr2-166868746-A-C.
Other names: c.3668T>G, p.Met1223Arg (NM_001165964.3, NM_001353957.2, NM_001353958.2); c.3752T>G, p.Met1251Arg (NM_001202435.3, NM_001353948.2); c.3719T>G, p.Met1240Arg (NM_001353949.2, NM_001353950.2, NM_001353951.2 and 2 more transcripts); c.3716T>G, p.Met1239Arg (NM_001353954.2, NM_001353955.2); c.3665T>G, p.Met1222Arg (NM_001353960.2); c.1310T>G, p.Met437Arg (NM_001353961.2); short protein forms M1240R, M1251R, M1239R, M437R, M1222R, M1223R.
Identifiers: ClinVar variation 580762 (VCV000580762.12), dbSNP rs749638533, ClinGen allele CA349054504.
Genomic context (GRCh38, chr2:166,012,236, plus strand): 5'-CATTTTAGAAGCATTTCCAGAATGAAAATGTAAGTGAAAACCTTGTCAGCATATTCCAAC[A>C]TCGTCTTAATCGTCTTTCGCTGATCAATATATATATCTTCAAATGCCTATAAAGAAAATG-3'
Protein context (NP_001159435.1, residues 1241-1261): YIDQRKTIKT[Met1251Arg]LEYADKVFTY

ClinVar aggregate classification (germline): Conflicting classifications of pathogenicity. Review status: criteria provided, conflicting classifications (1 of 4 stars). 2 submissions from 2 submitters: Likely pathogenic (1); Uncertain significance (1). Last evaluated 2023-07-12.

Conditions:
Early-infantile DEE. Also called: Early infantile epileptic encephalopathy with suppression bursts; Early infantile epileptic encephalopathy; Ohtahara syndrome. Identifiers: Orphanet 1934, MedGen C0393706, MONDO:0800491.

Submissions (2):

Women's Health and Genetics/Laboratory Corporation of America, LabCorp
Classification: Uncertain significance. Last evaluated: 2023-07-12. Review status: criteria provided, single submitter. Criteria: LabCorp Variant Classification Summary - May 2015. Collection method: clinical testing. Allele origin: germline.
Comment: Variant summary: SCN1A c.3752T>G (p.Met1251Arg) results in a non-conservative amino acid change located in the Ion transport domain (IPR002851) of the encoded protein sequence. Five of five in-silico tools predict a damaging effect of the variant on protein function. The variant was absent in 249350 control chromosomes (gnomAD). The available data on variant occurrences in the general population are insufficient to allow any conclusion about variant significance. To our knowledge, no occurrence of c.3752T>G in individuals affected with SCN1A-Related Seizure Disorder and no experimental evidence demonstrating its impact on protein function have been reported. One submitter has reported a de novo occurrence of this variant in ClinVar (after 2014) and classified the variant as likely pathogenic. Based on the evidence outlined above, the variant was classified as VUS-possibly pathogenic.

Labcorp Genetics (formerly Invitae), Labcorp
Classification: Likely pathogenic for Early-infantile DEE. Last evaluated: 2019-09-24. Review status: criteria provided, single submitter. Criteria: Invitae Variant Classification Sherloc (09022015). Collection method: clinical testing. Allele origin: germline.
Comment: In summary, the currently available evidence indicates that the variant is pathogenic, but additional data are needed to prove that conclusively. Therefore, this variant has been classified as Likely Pathogenic. Algorithms developed to predict the effect of missense changes on protein structure and function are either unavailable or do not agree on the potential impact of this missense change (SIFT: "Deleterious"; PolyPhen-2: "Benign"; Align-GVGD: "Class C55"). This variant has been observed in individual(s) with SCN1A-related conditions (Invitae). In at least one individual the variant was observed to be de novo. This variant is not present in population databases (ExAC no frequency). This sequence change replaces methionine with arginine at codon 1251 of the SCN1A protein (p.Met1251Arg). The methionine residue is highly conserved and there is a moderate physicochemical difference between methionine and arginine.